The following is an entry in ClinVar:

ClinVar aggregate classification (germline): Benign/Likely benign. Review status: criteria provided, multiple submitters, no conflicts (2 of 4 stars). 3 submissions from 3 submitters: Benign (1); Likely benign (2). Last evaluated 2025-03-16.

Conditions:
Familial cancer of breast. Also called: BREAST CANCER, FAMILIAL; hereditary breast carcinoma; Hereditary breast cancer. Identifiers: Orphanet 227535, MedGen C0346153, MONDO:0016419, OMIM 114480. Disease mechanism: loss of function.
Hereditary cancer-predisposing syndrome. Also called: Neoplastic Syndromes, Hereditary; Tumor predisposition; Hereditary Cancer Syndrome; Hereditary neoplastic syndrome. Identifiers: Orphanet 140162, MedGen C0027672, MeSH D009386, MONDO:0015356.

Allele frequency attached by ClinVar (database versions not stated): TOPMed below 0.00001; gnomAD 0.00001.
gnomAD v4.1: 1 of 1,613,724 alleles (0.000062%); highest among the groups gnomAD compares: African/African-American, 0.0013%; no homozygotes.

Submissions (3):

Ambry Genetics
Classification: Likely benign for Hereditary cancer-predisposing syndrome. Last evaluated: 2025-03-16. Review status: criteria provided, single submitter. Criteria: Ambry Variant Classification Scheme 2023. Collection method: clinical testing. Allele origin: germline.

Myriad Genetics, Inc.
Classification: Benign for Familial cancer of breast. Last evaluated: 2024-10-07. Review status: criteria provided, single submitter. Criteria: Myriad Autosomal Dominant, Autosomal Recessive and X-Linked Classification Criteria (2023). Collection method: clinical testing. Allele origin: unknown.
Comment: This variant is considered benign. This variant is a silent/synonymous amino acid change and it is not expected to impact splicing.

Labcorp Genetics (formerly Invitae), Labcorp
Classification: Likely benign for Familial cancer of breast. Last evaluated: 2024-03-03. Review status: criteria provided, single submitter. Criteria: Invitae Variant Classification Sherloc (09022015). Collection method: clinical testing. Allele origin: germline.

NM_007194.4(CHEK2):c.1200G>C (p.Gly400=)

Gene: CHEK2 (checkpoint kinase 2; minus strand). Cytogenetic location: 22q12.1.
Variant type: single nucleotide variant.
Coding change: c.1200G>C on transcript NM_007194.4 (MANE Select); coding-DNA position 1200, G replaced by C.
Protein change: p.Gly400=; no amino-acid change (glycine 400 retained).
Molecular consequence: synonymous variant.
Genome position (GRCh38, 1-based): chr22:28,695,769, C>G on the plus strand (G>C on the coding strand, the complement: CHEK2 is on the minus strand). VCF-style: chr22-28695769-C-G. GRCh37 (hg19) VCF-style: chr22-29091757-C-G.
Other names: c.1329G>C, p.Gly443= (NM_001005735.3); c.537G>C, p.Gly179= (NM_001257387.3); c.999G>C, p.Gly333= (NM_001349956.3); c.1113G>C, p.Gly371= (NM_145862.3).
Identifiers: ClinVar variation 460791 (VCV000460791.13), dbSNP rs876659590, ClinGen allele CA513944888.